The following is an entry in ClinVar:

ClinVar aggregate classification (germline): Uncertain significance (1 of 4 stars; one submission).

Submission:

Labcorp Genetics (formerly Invitae), Labcorp
Classification: Uncertain significance. Last evaluated: 2023-03-30. Review status: criteria provided, single submitter. Criteria: Invitae Variant Classification Sherloc (09022015). Collection method: clinical testing. Allele origin: germline.
Comment: In summary, the available evidence is currently insufficient to determine the role of this variant in disease. Therefore, it has been classified as a Variant of Uncertain Significance. An algorithm developed to predict the effect of missense changes on protein structure and function (PolyPhen-2) suggests that this variant is likely to be disruptive. This variant has not been reported in the literature in individuals affected with RFWD3-related conditions. This variant is present in population databases (rs758120765, gnomAD 0.03%). This sequence change replaces proline, which is neutral and non-polar, with glutamine, which is neutral and polar, at codon 50 of the RFWD3 protein (p.Pro50Gln).

NM_018124.4(RFWD3):c.149C>A (p.Pro50Gln)

Gene: RFWD3 (ring finger and WD repeat domain 3; minus strand). Cytogenetic location: 16q23.1.
Variant type: single nucleotide variant.
Coding change: c.149C>A on transcript NM_018124.4 (MANE Select); coding-DNA position 149, C replaced by A.
Protein change: p.Pro50Gln; replaces proline 50 with glutamine.
Molecular consequence: missense variant. On other transcripts: 5 prime UTR variant (4), intron variant (1).
Genome position (GRCh38, 1-based): chr16:74,661,301, G>T on the plus strand (C>A on the coding strand, the complement: RFWD3 is on the minus strand). VCF-style: chr16-74661301-G-T. GRCh37 (hg19) VCF-style: chr16-74695199-G-T.
Other names: c.149C>A, p.Pro50Gln (NM_001370534.1, NM_001370535.1, NM_001370536.1); c.-860C>A (NM_001370537.1); c.-483C>A (NM_001370539.1, NM_001370541.1); c.-737C>A (NM_001370542.1); c.-615C>A (NM_001370543.1); c.-317+3323C>A (NM_001370540.1); short protein forms P50Q.
Identifiers: ClinVar variation 2782637 (VCV002782637.3), dbSNP rs758120765, ClinGen allele CA8169634.